The following is an entry in ClinVar:

NM_000053.4(ATP7B):c.2731-1G>A

Gene: ATP7B (ATPase copper transporting beta; minus strand). Cytogenetic location: 13q14.3.
Variant type: single nucleotide variant.
Coding change: c.2731-1G>A on transcript NM_000053.4 (MANE Select); the canonical splice acceptor site of the intron before coding-DNA position 2731, G replaced by A.
Molecular consequence: splice acceptor variant. On other transcripts: intron variant (3).
Genome position (GRCh38, 1-based): chr13:51,949,797, C>T on the plus strand (G>A on the coding strand, the complement: ATP7B is on the minus strand). VCF-style: chr13-51949797-C-T. GRCh37 (hg19) VCF-style: chr13-52523933-C-T.
Other names: c.2245-1G>A (NM_001406541.1, NM_001406546.1, NM_001406542.1); c.2479-1G>A (NM_001406531.1, NM_001406532.1, NM_001406540.1 and 1 more transcripts); c.2497-1G>A (NM_001406527.1, NM_001406528.1, NM_001406534.1 and 2 more transcripts); c.2587-1G>A (NM_001406537.1, NM_001406521.1, NM_001406522.1 and 1 more transcripts); c.2731-1G>A (NM_001406513.1, NM_001406511.1, NM_001406516.1 and 5 more transcripts); c.2383-1G>A (NM_001406543.1); c.2398-1G>A (NM_001243182.2); c.1441-1G>A (NM_001406548.1); and 10 more.
Identifiers: ClinVar variation 1456775 (VCV001456775.6), dbSNP rs2139193234, ClinGen allele CA388033956.

ClinVar aggregate classification (germline): Pathogenic (1 of 4 stars; one submission).

Conditions:
Wilson disease (WND). Also called: Wilson's disease. Identifiers: Orphanet 905, MedGen C0019202, MONDO:0010200, OMIM 277900. Disease mechanism: loss of function.

Allele frequency attached by ClinVar (database versions not stated): gnomAD exomes below 0.00001.

Submission:

Labcorp Genetics (formerly Invitae), Labcorp
Classification: Pathogenic for Wilson disease. Last evaluated: 2021-08-19. Review status: criteria provided, single submitter. Criteria: Invitae Variant Classification Sherloc (09022015). Collection method: clinical testing. Allele origin: germline.
Comment: For these reasons, this variant has been classified as Pathogenic. Algorithms developed to predict the effect of sequence changes on RNA splicing suggest that this variant may disrupt the consensus splice site. Disruption of this splice site has been observed in individuals with Wilson disease (PMID: 9311736, 23518715; Invitae). This variant is not present in population databases (ExAC no frequency). This sequence change affects an acceptor splice site in intron 11 of the ATP7B gene. It is expected to disrupt RNA splicing. Variants that disrupt the donor or acceptor splice site typically lead to a loss of protein function (PMID: 16199547), and loss-of-function variants in ATP7B are known to be pathogenic (PMID: 10441329, 16283883).

Literature cited by the submitters: PubMed 9311736; PubMed 23518715; PubMed 16199547; PubMed 10441329; PubMed 16283883.